The following is an entry in ClinVar:

ClinVar aggregate classification (germline): Uncertain significance. Review status: criteria provided, multiple submitters, no conflicts (2 of 4 stars). 2 submissions from 2 submitters: Uncertain significance (2). Last evaluated 2025-09-19.

Conditions:
Inborn genetic diseases. Identifiers: MedGen C0950123, MeSH D030342.

Submissions (2):

Ambry Genetics
Classification: Uncertain significance for Inborn genetic diseases. Last evaluated: 2025-09-19. Review status: criteria provided, single submitter. Criteria: Ambry Variant Classification Scheme 2023. Collection method: clinical testing. Allele origin: germline.
Comment: The p.K1065T variant (also known as c.3194A>C), located in coding exon 1 of the SAMD9L gene, results from an A to C substitution at nucleotide position 3194. The lysine at codon 1065 is replaced by threonine, an amino acid with similar properties. This amino acid position is conserved. In addition, this alteration is predicted to be tolerated by in silico analysis. Based on the available evidence, the clinical significance of this variant remains unclear.

GeneDx
Classification: Uncertain significance. Last evaluated: 2024-03-29. Review status: criteria provided, single submitter. Criteria: GeneDx Variant Classification Process June 2021. Collection method: clinical testing. Allele origin: germline. Affected: yes.
Comment: Not observed at significant frequency in large population cohorts (gnomAD); In silico analysis supports that this missense variant does not alter protein structure/function; Has not been previously published as pathogenic or benign to our knowledge; This variant is associated with the following publications: (PMID: 28545555)

NM_152703.5(SAMD9L):c.3194A>C (p.Lys1065Thr)

Gene: SAMD9L (sterile alpha motif domain containing 9 like; minus strand). Cytogenetic location: 7q21.2.
Variant type: single nucleotide variant.
Coding change: c.3194A>C on transcript NM_152703.5 (MANE Select); coding-DNA position 3194, A replaced by C.
Protein change: p.Lys1065Thr; replaces lysine 1065 with threonine.
Molecular consequence: missense variant.
Genome position (GRCh38, 1-based): chr7:93,132,778, T>G on the plus strand (A>C on the coding strand, the complement: SAMD9L is on the minus strand). VCF-style: chr7-93132778-T-G. GRCh37 (hg19) VCF-style: chr7-92762091-T-G.
Other names: c.3194A>C (NM_152703.2); c.3194A>C, p.Lys1065Thr (NM_001303496.3, NM_001303497.3, NM_001303498.3 and 5 more transcripts); short protein forms K1065T.
Identifiers: ClinVar variation 3371734 (VCV003371734.2).